The following is an entry in ClinVar:

ClinVar aggregate classification (germline): Uncertain significance. Review status: criteria provided, multiple submitters, no conflicts (2 of 4 stars). 3 submissions from 3 submitters: Uncertain significance (3). Last evaluated 2024-08-06.

Conditions:
ATM-related cancer predisposition. Also called: ATM-related cancer susceptibility. Identifiers: MedGen CN377759, MONDO:0700270.
Hereditary cancer-predisposing syndrome. Also called: Neoplastic Syndromes, Hereditary; Hereditary neoplastic syndrome; Tumor predisposition; Hereditary Cancer Syndrome. Identifiers: Orphanet 140162, MedGen C0027672, MeSH D009386, MONDO:0015356.
Ataxia-telangiectasia syndrome (AT). Also called: Cerebello-oculocutaneous telangiectasia; Immunodeficiency with ataxia telangiectasia; Ataxia telangiectasia (A-T); Ataxia-telangiectasia, complementation group D; AT, COMPLEMENTATION GROUP C; ATAXIA-TELANGIECTASIA, COMPLEMENTATION GROUP A. Identifiers: Orphanet 100, MedGen C0004135, MONDO:0008840, OMIM 208900.

Allele frequency attached by ClinVar (database versions not stated): gnomAD exomes below 0.00001.
gnomAD v4.1: 2 of 1,613,734 alleles (0.00012%); highest among the groups gnomAD compares: Non-Finnish European, 0.00017%; no homozygotes.

Submissions (3):

Department of Pathology and Laboratory Medicine, Sinai Health System
Classification: Uncertain significance for ATM-related cancer predisposition. Last evaluated: 2024-08-06. Review status: criteria provided, single submitter. Criteria: ACMG Guidelines, 2015. Collection method: clinical testing. Allele origin: germline.

Labcorp Genetics (formerly Invitae), Labcorp
Classification: Uncertain significance for Ataxia-telangiectasia syndrome. Last evaluated: 2020-08-14. Review status: criteria provided, single submitter. Criteria: Invitae Variant Classification Sherloc (09022015). Collection method: clinical testing. Allele origin: germline.
Comment: In summary, the available evidence is currently insufficient to determine the role of this variant in disease. Therefore, it has been classified as a Variant of Uncertain Significance. Algorithms developed to predict the effect of missense changes on protein structure and function (SIFT, PolyPhen-2, Align-GVGD) all suggest that this variant is likely to be disruptive, but these predictions have not been confirmed by published functional studies and their clinical significance is uncertain. This variant has not been reported in the literature in individuals with ATM-related conditions. This variant is not present in population databases (ExAC no frequency). This sequence change replaces valine with isoleucine at codon 1038 of the ATM protein (p.Val1038Ile). The valine residue is highly conserved and there is a small physicochemical difference between valine and isoleucine.

Ambry Genetics
Classification: Uncertain significance for Hereditary cancer-predisposing syndrome. Last evaluated: 2017-09-29. Review status: criteria provided, single submitter. Criteria: Ambry Variant Classification Scheme 2023. Collection method: clinical testing. Allele origin: germline.
Comment: The p.V1038I variant (also known as c.3112G>A), located in coding exon 20 of the ATM gene, results from a G to A substitution at nucleotide position 3112. The valine at codon 1038 is replaced by isoleucine, an amino acid with highly similar properties. This amino acid position is highly conserved in available vertebrate species. In addition, the in silico prediction for this alteration is inconclusive. Since supporting evidence is limited at this time, the clinical significance of this alteration remains unclear.

Literature cited by the submitters: PubMed 33471991 (cited by Department of Pathology and Laboratory Medicine, Sinai Health System).

NM_000051.4(ATM):c.3112G>A (p.Val1038Ile)

Gene: ATM (ATM serine/threonine kinase; plus strand). Cytogenetic location: 11q22.3.
Variant type: single nucleotide variant.
Coding change: c.3112G>A on transcript NM_000051.4 (MANE Select); coding-DNA position 3112, G replaced by A.
Protein change: p.Val1038Ile; replaces valine 1038 with isoleucine.
Molecular consequence: missense variant.
Genome position (GRCh38, 1-based): chr11:108,272,566, G>A. VCF-style: chr11-108272566-G-A. GRCh37 (hg19) VCF-style: chr11-108143293-G-A.
Other names: c.3112G>A, p.Val1038Ile (NM_001351834.2); short protein forms V1038I.
Identifiers: ClinVar variation 653710 (VCV000653710.12), dbSNP rs876659877, ClinGen allele CA382515163.